The following is an entry in ClinVar:

ClinVar aggregate classification (germline): Benign. Review status: criteria provided, multiple submitters, no conflicts (2 of 4 stars). 3 submissions from 3 submitters: Benign (2). 1 of the submissions does not count toward it. Last evaluated 2019-12-31.

Conditions:
DNAH7-related disorder. Also called: DNAH7-related condition.

Allele frequency attached by ClinVar (database versions not stated): ESP Exome Variant Server 0.01430; gnomAD 0.01460 and 0.01566; 1000 Genomes Project 0.01498; TOPMed 0.01519; 1000 Genomes Project 30x 0.01655.
gnomAD v4.1: 4,563 of 1,613,162 alleles (0.28%); highest among the groups gnomAD compares: African/African-American, 5.2%; 121 homozygotes.

Submissions (3):

Labcorp Genetics (formerly Invitae), Labcorp
Classification: Benign. Last evaluated: 2019-12-31. Review status: criteria provided, single submitter. Criteria: Invitae Variant Classification Sherloc (09022015). Collection method: clinical testing. Allele origin: germline.

Breakthrough Genomics
Classification: Benign. Review status: criteria provided, single submitter. Criteria: ACMG Guidelines, 2015. Collection method: not provided. Allele origin: germline. Inheritance: Unknown mechanism. Affected: yes.

PreventionGenetics, part of Exact Sciences
Classification: Likely benign for DNAH7-related condition. Last evaluated: 2020-02-26. Review status: no assertion criteria provided. Collection method: clinical testing. Allele origin: germline. Not counted in ClinVar's aggregate classification.
Comment: This variant is classified as likely benign based on ACMG/AMP sequence variant interpretation guidelines (Richards et al. 2015 PMID: 25741868, with internal and published modifications).

NM_018897.3(DNAH7):c.4264C>A (p.Pro1422Thr)

Gene: DNAH7 (dynein axonemal heavy chain 7; minus strand). Cytogenetic location: 2q32.3.
Variant type: single nucleotide variant.
Coding change: c.4264C>A on transcript NM_018897.3 (MANE Select); coding-DNA position 4264, C replaced by A.
Protein change: p.Pro1422Thr; replaces proline 1422 with threonine.
Molecular consequence: missense variant.
Genome position (GRCh38, 1-based): chr2:195,906,730, G>T on the plus strand (C>A on the coding strand, the complement: DNAH7 is on the minus strand). VCF-style: chr2-195906730-G-T. GRCh37 (hg19) VCF-style: chr2-196771454-G-T.
Other names: short protein forms P1422T.
Identifiers: ClinVar variation 791385 (VCV000791385.7), dbSNP rs168192, ClinGen allele CA2035776.